The following is an entry in ClinVar:

ClinVar aggregate classification (germline): Uncertain significance (1 of 4 stars; one submission).

Conditions:
Methylcobalamin deficiency type cblE (HMAE). Also called: VITAMIN B12-RESPONSIVE HOMOCYSTINURIA, cblE TYPE; HOMOCYSTINURIA-MEGALOBLASTIC ANEMIA, cblE COMPLEMENTATION TYPE; HOMOCYSTINURIA-MEGALOBLASTIC ANEMIA, cblE TYPE. Identifiers: Orphanet 2169, Orphanet 622, MedGen C1856057, MONDO:0009354, OMIM 236270.

Allele frequency attached by ClinVar (database versions not stated): gnomAD exomes below 0.00001 and 0.00002; ExAC 0.00001; gnomAD 0.00001; TOPMed 0.00001.
gnomAD v4.1: 26 of 1,614,126 alleles (0.0016%); highest among the groups gnomAD compares: Non-Finnish European, 0.0021%; no homozygotes.

Submission:

Labcorp Genetics (formerly Invitae), Labcorp
Classification: Uncertain significance for Methylcobalamin deficiency type cblE. Last evaluated: 2021-08-27. Review status: criteria provided, single submitter. Criteria: Invitae Variant Classification Sherloc (09022015). Collection method: clinical testing. Allele origin: germline.
Comment: This sequence change replaces aspartic acid with glycine at codon 288 of the MTRR protein (p.Asp288Gly). The aspartic acid residue is highly conserved and there is a moderate physicochemical difference between aspartic acid and glycine. This variant is present in population databases (rs766083570, ExAC 0.001%). This variant has not been reported in the literature in individuals affected with MTRR-related conditions. Algorithms developed to predict the effect of missense changes on protein structure and function are either unavailable or do not agree on the potential impact of this missense change (SIFT: "Tolerated"; PolyPhen-2: "Probably Damaging"; Align-GVGD: "Class C0"). In summary, the available evidence is currently insufficient to determine the role of this variant in disease. Therefore, it has been classified as a Variant of Uncertain Significance.

NM_002454.3(MTRR):c.863A>G (p.Asp288Gly)

Gene: MTRR (5-methyltetrahydrofolate-homocysteine methyltransferase reductase; plus strand). Cytogenetic location: 5p15.31.
Variant type: single nucleotide variant.
Coding change: c.863A>G on transcript NM_002454.3 (MANE Select); coding-DNA position 863, A replaced by G.
Protein change: p.Asp288Gly; replaces aspartic acid 288 with glycine.
Molecular consequence: missense variant. On other transcripts: non-coding transcript variant (14).
Genome position (GRCh38, 1-based): chr5:7,883,237, A>G. VCF-style: chr5-7883237-A-G. GRCh37 (hg19) VCF-style: chr5-7883350-A-G.
Other names: c.863A>G, p.Asp288Gly (NM_001364440.2, NM_001364441.2, NM_001364442.2 and 1 more transcripts); short protein forms D288G.
Identifiers: ClinVar variation 967480 (VCV000967480.3), dbSNP rs766083570, ClinGen allele CA3195716.